The following is an entry in ClinVar:

ClinVar aggregate classification (germline): Benign/Likely benign. Review status: criteria provided, multiple submitters, no conflicts (2 of 4 stars). 6 submissions from 6 submitters: Benign (3); Likely benign (3). Last evaluated 2025-06-05.

Conditions:
Neutral lipid storage myopathy (NLSDM). Also called: NEUTRAL LIPID STORAGE DISEASE WITHOUT ICHTHYOSIS. Identifiers: Orphanet 98908, MedGen C1853136, MONDO:0012545, OMIM 610717.

Allele frequency attached by ClinVar (database versions not stated): gnomAD exomes 0.00061 and 0.00297; TOPMed 0.00176; 1000 Genomes Project 30x 0.00078; gnomAD 0.00075 and 0.00071; ExAC 0.00220; 1000 Genomes Project 0.00080.

Submissions (6):

Mayo Clinic Laboratories, Mayo Clinic
Classification: Benign. Last evaluated: 2025-06-05. Review status: criteria provided, single submitter. Criteria: ACMG Guidelines, 2015. Collection method: clinical testing. Allele origin: germline. Observed: 7 variant alleles.
Comment: BA1, BS1, BP4, BP7

Labcorp Genetics (formerly Invitae), Labcorp
Classification: Benign for Neutral lipid storage myopathy. Last evaluated: 2022-12-02. Review status: criteria provided, single submitter. Criteria: Invitae Variant Classification Sherloc (09022015). Collection method: clinical testing. Allele origin: germline.

GeneDx
Classification: Likely benign. Last evaluated: 2021-10-15. Review status: criteria provided, single submitter. Criteria: GeneDx Variant Classification Process June 2021. Collection method: clinical testing. Allele origin: germline. Affected: yes.
Comment: See Variant Classification Assertion Criteria.

Illumina Laboratory Services, Illumina
Classification: Benign for Neutral lipid storage myopathy. Last evaluated: 2017-09-29. Review status: criteria provided, single submitter. Criteria: ICSL Variant Classification Criteria 13 December 2019. Collection method: clinical testing. Allele origin: germline.
Comment: This variant was observed as part of a predisposition screen in an ostensibly healthy population. A literature search was performed for the gene, cDNA change, and amino acid change (where applicable). No publications were found based on this search. Allele frequency data from public databases was too high to be consistent with this variant causing disease. Therefore, this variant is classified as benign.

Breakthrough Genomics
Classification: Likely benign. Review status: criteria provided, single submitter. Criteria: ACMG Guidelines, 2015. Collection method: not provided. Allele origin: germline. Inheritance: Autosomal recessive inheritance. Affected: yes.

PreventionGenetics, part of Exact Sciences
Classification: Likely benign. Review status: criteria provided, single submitter. Criteria: ACMG Guidelines, 2015. Collection method: clinical testing. Allele origin: germline.

NM_020376.4(PNPLA2):c.696+15G>A

Gene: PNPLA2 (patatin like domain 2, triacylglycerol lipase; plus strand). Cytogenetic location: 11p15.5.
Variant type: single nucleotide variant.
Coding change: c.696+15G>A on transcript NM_020376.4 (MANE Select); 15 bases into the intron after coding-DNA position 696, G replaced by A.
Molecular consequence: intron variant.
Genome position (GRCh38, 1-based): chr11:822,621, G>A. VCF-style: chr11-822621-G-A. GRCh37 (hg19) VCF-style: chr11-822621-G-A.
Other names: p.?.
Identifiers: ClinVar variation 261244 (VCV000261244.12), dbSNP rs567151196, ClinGen allele CA5791090.
Genomic context (GRCh38, chr11:822,621, plus strand): 5'-CAACCTCTACCGCCTCTCCAAGGCCCTCTTCCCGCCGGAGCCCCTGGTGAGCTCTGCTCC[G>A]AGGACTGTGGCCTTCCCAGCCACTCCTCACTGGGCACCAAGGGAGAACACTGATCCTTTG-3'